The following is an entry in ClinVar:

NM_001042545.2(LTBP4):c.4391A>C (p.Glu1464Ala)

Gene: LTBP4 (latent transforming growth factor beta binding protein 4; plus strand). Cytogenetic location: 19q13.2.
Variant type: single nucleotide variant.
Coding change: c.4391A>C on transcript NM_001042545.2 (MANE Select); coding-DNA position 4391, A replaced by C.
Protein change: p.Glu1464Ala; replaces glutamic acid 1464 with alanine.
Molecular consequence: missense variant.
Genome position (GRCh38, 1-based): chr19:40,627,729, A>C. VCF-style: chr19-40627729-A-C. GRCh37 (hg19) VCF-style: chr19-41133634-A-C.
Other names: c.4592A>C, p.Glu1531Ala (NM_001042544.1); c.4481A>C, p.Glu1494Ala (NM_003573.2); short protein forms E1494A, E1531A, E1464A.
Identifiers: ClinVar variation 2758854 (VCV002758854.3), dbSNP rs2515398373, ClinGen allele CA405912367.

ClinVar aggregate classification (germline): Uncertain significance (1 of 4 stars; one submission).

Submission:

Labcorp Genetics (formerly Invitae), Labcorp
Classification: Uncertain significance. Last evaluated: 2023-09-08. Review status: criteria provided, single submitter. Criteria: Invitae Variant Classification Sherloc (09022015). Collection method: clinical testing. Allele origin: germline.
Comment: This sequence change replaces glutamic acid, which is acidic and polar, with alanine, which is neutral and non-polar, at codon 1494 of the LTBP4 protein (p.Glu1494Ala). This variant is not present in population databases (gnomAD no frequency). This variant has not been reported in the literature in individuals affected with LTBP4-related conditions. Experimental studies and prediction algorithms are not available or were not evaluated, and the functional significance of this variant is currently unknown. In summary, the available evidence is currently insufficient to determine the role of this variant in disease. Therefore, it has been classified as a Variant of Uncertain Significance.